The following is an entry in ClinVar:

ClinVar aggregate classification (germline): Uncertain significance. Review status: criteria provided, multiple submitters, no conflicts (2 of 4 stars). 2 submissions from 2 submitters: Uncertain significance (2). Last evaluated 2024-03-04.

Conditions:
Renal coloboma syndrome (PAPRS). Also called: PAPILLORENAL SYNDROME WITH MILD OCULAR ABNORMALITIES; CONGENITAL ANOMALIES OF THE KIDNEY AND URINARY TRACT WITH OR WITHOUT OCULAR ABNORMALITIES; CAKUT WITH OR WITHOUT OCULAR ABNORMALITIES; COLOBOMA OF OPTIC NERVE WITH RENAL DISEASE; OPTIC COLOBOMA, VESICOURETERAL REFLUX, AND RENAL ANOMALIES; OPTIC NERVE COLOBOMA WITH RENAL DISEASE. Identifiers: Orphanet 1475, MedGen C1852759, MONDO:0007352, OMIM 120330.
Focal segmental glomerulosclerosis 7 (FSGS7). Identifiers: Orphanet 656, MedGen C4014925, MONDO:0014451, OMIM 616002.

Allele frequency attached by ClinVar (database versions not stated): ExAC 0.00002; TOPMed 0.00002; gnomAD exomes 0.00003; gnomAD 0.00001.
gnomAD v4.1: 15 of 1,614,062 alleles (0.00093%); highest among the groups gnomAD compares: Middle Eastern, 0.016%; no homozygotes.

Submissions (2):

Labcorp Genetics (formerly Invitae), Labcorp
Classification: Uncertain significance for Renal coloboma syndrome; Focal segmental glomerulosclerosis 7. Last evaluated: 2024-03-04. Review status: criteria provided, single submitter. Criteria: Invitae Variant Classification Sherloc (09022015). Collection method: clinical testing. Allele origin: germline.
Comment: This sequence change replaces arginine, which is basic and polar, with histidine, which is basic and polar, at codon 247 of the PAX2 protein (p.Arg247His). This variant is present in population databases (rs747639879, gnomAD 0.01%). This variant has not been reported in the literature in individuals affected with PAX2-related conditions. ClinVar contains an entry for this variant (Variation ID: 534187). An algorithm developed to predict the effect of missense changes on protein structure and function (PolyPhen-2) suggests that this variant is likely to be disruptive. In summary, the available evidence is currently insufficient to determine the role of this variant in disease. Therefore, it has been classified as a Variant of Uncertain Significance.

Fulgent Genetics
Classification: Uncertain significance for Renal coloboma syndrome; Focal segmental glomerulosclerosis 7. Last evaluated: 2021-12-15. Review status: criteria provided, single submitter. Criteria: ACMG Guidelines, 2015. Collection method: clinical testing. Allele origin: unknown.

NM_000278.5(PAX2):c.740G>A (p.Arg247His)

Gene: PAX2 (paired box 2; plus strand). Cytogenetic location: 10q24.31.
Variant type: single nucleotide variant.
Coding change: c.740G>A on transcript NM_000278.5 (MANE Select); coding-DNA position 740, G replaced by A.
Protein change: p.Arg247His; replaces arginine 247 with histidine.
Molecular consequence: missense variant.
Genome position (GRCh38, 1-based): chr10:100,806,553, G>A. VCF-style: chr10-100806553-G-A. GRCh37 (hg19) VCF-style: chr10-102566310-G-A.
Other names: c.833G>A, p.Arg278His (NM_001304569.2); c.809G>A, p.Arg270His (NM_003987.5, NM_003990.5); c.740G>A, p.Arg247His (NM_003988.5, NM_003989.5); short protein forms R247H, R270H, R278H.
Identifiers: ClinVar variation 534187 (VCV000534187.7), dbSNP rs747639879, ClinGen allele CA5650840.